The following is an entry in ClinVar:

ClinVar aggregate classification (germline): Likely benign. Review status: criteria provided, multiple submitters, no conflicts (2 of 4 stars). 2 submissions from 2 submitters: Likely benign (2). Last evaluated 2018-06-19.

Allele frequency attached by ClinVar (database versions not stated): gnomAD 0.01331; 1000 Genomes Project 30x 0.01437; 1000 Genomes Project 0.01498; TOPMed 0.01086.
gnomAD v4.1: 18,108 of 1,020,596 alleles (1.8%); highest among the groups gnomAD compares: South Asian, 4.1%; 220 homozygotes.

Submissions (2):

GeneDx
Classification: Likely benign. Last evaluated: 2018-06-19. Review status: criteria provided, single submitter. Criteria: GeneDx Variant Classification (06012015). Collection method: clinical testing. Allele origin: germline. Affected: yes.
Comment: This variant is considered likely benign or benign based on one or more of the following criteria: it is a conservative change, it occurs at a poorly conserved position in the protein, it is predicted to be benign by multiple in silico algorithms, and/or has population frequency not consistent with disease.

Breakthrough Genomics
Classification: Likely benign. Review status: criteria provided, single submitter. Criteria: ACMG Guidelines, 2015. Collection method: not provided. Allele origin: germline. Inheritance: Autosomal recessive inheritance. Affected: yes.

NM_173660.5(DOK7):c.533-155G>A

Genes: DOK7 (docking protein 7; plus strand), LOC126806951 (CDK7 strongly-dependent group 2 enhancer GRCh37_chr4:3486115-3487314; plus strand). Cytogenetic location: 4p16.3.
Variant type: single nucleotide variant.
Coding change: c.533-155G>A on transcript NM_173660.5 (MANE Select); 155 bases into the intron before coding-DNA position 533, G replaced by A.
Molecular consequence: intron variant.
Genome position (GRCh38, 1-based): chr4:3,485,384, G>A. VCF-style: chr4-3485384-G-A. GRCh37 (hg19) VCF-style: chr4-3487111-G-A.
Other names: c.533-155G>A (NM_001301071.2); c.101-155G>A (NM_001363811.2); c.522-155G>A (NM_001164673.2); c.-398-155G>A (NM_001256896.2).
Identifiers: ClinVar variation 679012 (VCV000679012.2), dbSNP rs192007810, ClinGen allele CA91544238.